The following is an entry in ClinVar:

ClinVar aggregate classification (germline): Likely benign. Review status: criteria provided, multiple submitters, no conflicts (2 of 4 stars). 3 submissions from 3 submitters: Likely benign (2). 1 of the submissions does not count toward it. Last evaluated 2025-03-18.

Conditions:
SLC7A7-related disorder. Also called: SLC7A7-related condition.
Lysinuric protein intolerance (LPI). Identifiers: Orphanet 470, MedGen C0268647, MONDO:0009109, OMIM 222700.

Allele frequency attached by ClinVar (database versions not stated): gnomAD exomes below 0.00001; gnomAD 0.00001.
gnomAD v4.1: 3 of 1,613,652 alleles (0.00019%); highest among the groups gnomAD compares: African/African-American, 0.0027%; no homozygotes.

Submissions (3):

Labcorp Genetics (formerly Invitae), Labcorp
Classification: Likely benign for Lysinuric protein intolerance. Last evaluated: 2025-03-18. Review status: criteria provided, single submitter. Criteria: Invitae Variant Classification Sherloc (09022015). Collection method: clinical testing. Allele origin: germline.

Blueprint Genetics
Classification: Likely benign. Last evaluated: 2021-03-18. Review status: criteria provided, single submitter. Criteria: ACMG Guidelines, 2015. Collection method: clinical testing. Allele origin: germline.

PreventionGenetics, part of Exact Sciences
Classification: Likely benign for SLC7A7-related condition. Last evaluated: 2021-07-07. Review status: no assertion criteria provided. Collection method: clinical testing. Allele origin: germline. Not counted in ClinVar's aggregate classification.
Comment: This variant is classified as likely benign based on ACMG/AMP sequence variant interpretation guidelines (Richards et al. 2015 PMID: 25741868, with internal and published modifications).

NM_003982.4(SLC7A7):c.1430-8C>T

Gene: SLC7A7 (solute carrier family 7 member 7; minus strand). Cytogenetic location: 14q11.2.
Variant type: single nucleotide variant.
Coding change: c.1430-8C>T on transcript NM_003982.4 (MANE Select); 8 bases into the intron before coding-DNA position 1430, C replaced by T.
Molecular consequence: intron variant.
Genome position (GRCh38, 1-based): chr14:22,773,724, G>A on the plus strand (C>T on the coding strand, the complement: SLC7A7 is on the minus strand). VCF-style: chr14-22773724-G-A. GRCh37 (hg19) VCF-style: chr14-23242933-G-A.
Other names: c.1430-8C>T (NM_001126106.4, NM_001126105.3, NM_001126106.2).
Identifiers: ClinVar variation 1625208 (VCV001625208.11), dbSNP rs1310878284, ClinGen allele CA612900525.
Genomic context (GRCh38, chr14:22,773,724, plus strand): 5'-CATTTCTGCAGCAACTGACATACACAGGACCTGGAGGTACCTTGTGGCAGACCCTACAAA[G>A]AGAACTTTGAGTTGGAATTGAGAAGAGGTCAGCTGGGCTGAGTTCAAGTGTCACTGAATG-3'